The following is an entry in ClinVar:

ClinVar aggregate classification (germline): Likely pathogenic (1 of 4 stars; one submission).

Conditions:
Intellectual developmental disorder, autosomal dominant 57. Also called: MENTAL RETARDATION, AUTOSOMAL DOMINANT 57; Intellectual disability, autosomal dominant 57. Identifiers: MedGen C4748003, MONDO:0054837, OMIM 618050.

Submission:

3billion
Classification: Likely pathogenic for Intellectual developmental disorder, autosomal dominant 57. Last evaluated: 2025-06-17. Review status: criteria provided, single submitter. Criteria: ACMG Guidelines, 2015. Collection method: clinical testing. Allele origin: germline. Affected: yes.
Comment: The variant is not observed in the gnomAD v4.1.0 dataset. Predicted Consequence/Location: Frameshift: predicted to result in a loss or disruption of normal protein function through nonsense-mediated decay (NMD) or protein truncation. Multiple pathogenic variants are reported downstream of the variant. Therefore, this variant is classified as Likely pathogenic according to the recommendation of ACMG/AMP guideline.

NM_006852.6(TLK2):c.993del (p.Arg332fs)

Gene: TLK2 (tousled like kinase 2; plus strand). Cytogenetic location: 17q23.2.
Variant type: Deletion.
Coding change: c.993del on transcript NM_006852.6 (MANE Select); coding-DNA position 993, one base deleted (G; older notation c.993delG).
Protein change: p.Arg332fs; shifts the reading frame from arginine 332.
Molecular consequence: frameshift variant.
Genome position (GRCh38, 1-based): chr17:62,573,239, G deleted. VCF-style (leftmost placement, unchanged base first): chr17-62573238-AG-A. GRCh37 (hg19) VCF-style: chr17-60650599-AG-A.
Other names: c.546del, p.Arg183fs (NM_001375273.1, NM_001330418.3); c.708del, p.Arg237fs (NM_001411074.1); c.897del, p.Arg300fs (NM_001438203.1, NM_001438204.1, NM_001284363.1 and 1 more transcripts); c.804del, p.Arg269fs (NM_001438205.1); c.993del, p.Arg332fs (NM_001284333.3, NM_001375270.1, NM_001375271.1); c.1035del, p.Arg346fs (NM_001375269.1); short protein forms R183fs, R237fs, R269fs, R300fs, R332fs, R346fs.
Identifiers: ClinVar variation 4856013 (VCV004856013.1).